The following is an entry in ClinVar:

ClinVar aggregate classification (germline): Conflicting classifications of pathogenicity. Review status: criteria provided, conflicting classifications (1 of 4 stars). 2 submissions from 2 submitters: Likely pathogenic (1); Uncertain significance (1). Last evaluated 2024-09-20.

Conditions:
Sifrim-Hitz-Weiss syndrome (SIHIWES). Also called: CHD4 Neurodevelopmental Disorder; SIFRIM-HITZ-WEISS MULTIPLE CONGENITAL ANOMALIES-MENTAL RETARDATION SYNDROME. Identifiers: Orphanet 653712, MedGen C4310688, MONDO:0014946, OMIM 617159.

Submissions (2):

3billion
Classification: Uncertain significance for Sifrim-Hitz-Weiss syndrome. Last evaluated: 2024-09-20. Review status: criteria provided, single submitter. Criteria: ACMG Guidelines, 2015. Collection method: clinical testing. Allele origin: germline. Affected: no.
Comment: The variant is not observed in the gnomAD v2.1.1 dataset. In silico tool predictions suggest damaging effect of the variant on gene or gene product [REVEL: 0.79 (>= 0.644, sensitivity 0.68 and specificity 0.92); 3Cnet: 0.88 (>= 0.75, sensitivity 0.96 and precision 0.92)]. Therefore, it was classified as uncertain significance.

Revvity Omics, Revvity
Classification: Likely pathogenic for Sifrim-Hitz-Weiss syndrome. Last evaluated: 2022-04-13. Review status: criteria provided, single submitter. Criteria: ACMG Guidelines, 2015. Collection method: clinical testing. Allele origin: germline.

NM_001273.5(CHD4):c.3017T>G (p.Val1006Gly)

Gene: CHD4 (chromodomain helicase DNA binding protein 4; minus strand). Cytogenetic location: 12p13.31.
Variant type: single nucleotide variant.
Coding change: c.3017T>G on transcript NM_001273.5 (MANE Select); coding-DNA position 3017, T replaced by G.
Protein change: p.Val1006Gly; replaces valine 1006 with glycine.
Molecular consequence: missense variant.
Genome position (GRCh38, 1-based): chr12:6,591,989, A>C on the plus strand (T>G on the coding strand, the complement: CHD4 is on the minus strand). VCF-style: chr12-6591989-A-C. GRCh37 (hg19) VCF-style: chr12-6701155-A-C.
Other names: c.2996T>G, p.Val999Gly (NM_001297553.2); c.2978T>G, p.Val993Gly (NM_001363606.2); short protein forms V1006G, V993G, V999G.
Identifiers: ClinVar variation 2439063 (VCV002439063.5), dbSNP rs2540396625, ClinGen allele CA383586954.